The following is an entry in ClinVar:

ClinVar aggregate classification (germline): Uncertain significance (1 of 4 stars; one submission).

Submission:

Dasa
Classification: Uncertain significance. Last evaluated: 2025-02-21. Review status: criteria provided, single submitter. Criteria: DASA Assertion Criteria. Collection method: clinical testing. Allele origin: germline.
Comment: NM_001379029.1(CERT1):c.1090A>T (p.Thr364Ser) is a missense variant that results in the substitution of threonine with serine. This variant is absent from population databases. Computational prediction algorithms are consistent with a benign effect. The currently available literature and clinical evidence are not sufficient to establish a definitive association between this variant and the reported condition. Therefore, this variant is classified as a variant of uncertain significance.

NM_001379029.1(CERT1):c.1090A>T (p.Thr364Ser)

Gene: CERT1 (ceramide transporter 1; minus strand). Cytogenetic location: 5q13.3.
Variant type: single nucleotide variant.
Coding change: c.1090A>T on transcript NM_001379029.1 (MANE Select); coding-DNA position 1090, A replaced by T.
Protein change: p.Thr364Ser; replaces threonine 364 with serine.
Molecular consequence: missense variant.
Genome position (GRCh38, 1-based): chr5:75,400,225, T>A on the plus strand (A>T on the coding strand, the complement: CERT1 is on the minus strand). VCF-style: chr5-75400225-T-A. GRCh37 (hg19) VCF-style: chr5-74696050-T-A.
Other names: c.1090A>T, p.Thr364Ser (NM_001379002.1, NM_001379003.1, NM_001379004.1 and 2 more transcripts); c.1474A>T, p.Thr492Ser (NM_001130105.1); short protein forms T364S, T492S.
Identifiers: ClinVar variation 4881033 (VCV004881033.2).